The following is an entry in ClinVar:

ClinVar aggregate classification (germline): Uncertain significance. Review status: criteria provided, multiple submitters, no conflicts (2 of 4 stars). 2 submissions from 2 submitters: Uncertain significance (2). Last evaluated 2023-03-07.

Conditions:
Inborn genetic diseases. Identifiers: MedGen C0950123, MeSH D030342.

Allele frequency attached by ClinVar (database versions not stated): ExAC 0.00001.
gnomAD v4.1: 7 of 1,604,276 alleles (0.00044%); highest among the groups gnomAD compares: Middle Eastern, 0.017%; no homozygotes.

Submissions (2):

Ambry Genetics
Classification: Uncertain significance for Inborn genetic diseases. Last evaluated: 2023-03-07. Review status: criteria provided, single submitter. Criteria: Ambry Variant Classification Scheme 2023. Collection method: clinical testing. Allele origin: germline.

GeneDx
Classification: Uncertain significance. Last evaluated: 2022-08-03. Review status: criteria provided, single submitter. Criteria: GeneDx Variant Classification Process June 2021. Collection method: clinical testing. Allele origin: germline. Affected: yes.
Comment: In silico analysis supports that this missense variant does not alter protein structure/function; Has not been previously published as pathogenic or benign to our knowledge

NM_052867.4(NALCN):c.2291G>A (p.Arg764His)

Gene: NALCN (sodium leak channel, non-selective; minus strand). Cytogenetic location: 13q33.1.
Variant type: single nucleotide variant.
Coding change: c.2291G>A on transcript NM_052867.4 (MANE Select); coding-DNA position 2291, G replaced by A.
Protein change: p.Arg764His; replaces arginine 764 with histidine.
Molecular consequence: missense variant.
Genome position (GRCh38, 1-based): chr13:101,111,128, C>T on the plus strand (G>A on the coding strand, the complement: NALCN is on the minus strand). VCF-style: chr13-101111128-C-T. GRCh37 (hg19) VCF-style: chr13-101763479-C-T.
Other names: c.2378G>A, p.Arg793His (NM_001350748.2); c.2291G>A, p.Arg764His (NM_001350749.2); c.2204G>A, p.Arg735His (NM_001350750.2, NM_001350751.2); short protein forms R735H, R764H, R793H.
Identifiers: ClinVar variation 2428897 (VCV002428897.5), dbSNP rs760331955, ClinGen allele CA7035767.